The following is an entry in ClinVar:

ClinVar aggregate classification (germline): Uncertain significance. Review status: criteria provided, multiple submitters, no conflicts (2 of 4 stars). 2 submissions from 2 submitters: Uncertain significance (2). Last evaluated 2025-03-03.

Conditions:
Hereditary cancer-predisposing syndrome. Also called: Neoplastic Syndromes, Hereditary; Hereditary neoplastic syndrome; Hereditary Cancer Syndrome; Tumor predisposition. Identifiers: Orphanet 140162, MedGen C0027672, MeSH D009386, MONDO:0015356.
Tuberous sclerosis 2 (TSC2). Identifiers: Orphanet 805, MedGen C1860707, MONDO:0013199, OMIM 613254.

Submissions (2):

Ambry Genetics
Classification: Uncertain significance for Hereditary cancer-predisposing syndrome. Last evaluated: 2025-03-03. Review status: criteria provided, single submitter. Criteria: Ambry Variant Classification Scheme 2023. Collection method: clinical testing. Allele origin: germline.
Comment: The p.Q1724R variant (also known as c.5171A>G), located in coding exon 40 of the TSC2 gene, results from an A to G substitution at nucleotide position 5171. The glutamine at codon 1724 is replaced by arginine, an amino acid with highly similar properties. This amino acid position is not well conserved in available vertebrate species. In addition, this alteration is predicted to be deleterious by in silico analysis. Based on the available evidence, the clinical significance of this variant remains unclear.

Labcorp Genetics (formerly Invitae), Labcorp
Classification: Uncertain significance for Tuberous sclerosis 2. Last evaluated: 2024-09-04. Review status: criteria provided, single submitter. Criteria: Invitae Variant Classification Sherloc (09022015). Collection method: clinical testing. Allele origin: germline.
Comment: This sequence change replaces glutamine, which is neutral and polar, with arginine, which is basic and polar, at codon 1724 of the TSC2 protein (p.Gln1724Arg). This variant is not present in population databases (gnomAD no frequency). This variant has not been reported in the literature in individuals affected with TSC2-related conditions. ClinVar contains an entry for this variant (Variation ID: 947691). Invitae Evidence Modeling of protein sequence and biophysical properties (such as structural, functional, and spatial information, amino acid conservation, physicochemical variation, residue mobility, and thermodynamic stability) indicates that this missense variant is not expected to disrupt TSC2 protein function with a negative predictive value of 95%. In summary, the available evidence is currently insufficient to determine the role of this variant in disease. Therefore, it has been classified as a Variant of Uncertain Significance.

NM_000548.5(TSC2):c.5171A>G (p.Gln1724Arg)

Gene: TSC2 (TSC complex subunit 2; plus strand). Cytogenetic location: 16p13.3.
Variant type: single nucleotide variant.
Coding change: c.5171A>G on transcript NM_000548.5 (MANE Select); coding-DNA position 5171, A replaced by G.
Protein change: p.Gln1724Arg; replaces glutamine 1724 with arginine.
Molecular consequence: missense variant. On other transcripts: non-coding transcript variant (5), splice acceptor variant (1).
Genome position (GRCh38, 1-based): chr16:2,088,237, A>G. VCF-style: chr16-2088237-A-G. GRCh37 (hg19) VCF-style: chr16-2138238-A-G.
Other names: c.4862A>G, p.Gln1621Arg (NM_001318827.2); c.4826A>G, p.Gln1609Arg (NM_001318829.2); c.4439A>G, p.Gln1480Arg (NM_001318831.2); c.5003A>G, p.Gln1668Arg (NM_001318832.2); c.4973A>G, p.Gln1658Arg (NM_001363528.2); c.5039A>G, p.Gln1680Arg (NM_001370404.1); c.5168A>G, p.Gln1723Arg (NM_001406663.1); c.5099A>G, p.Gln1700Arg (NM_001406664.1); and 27 more; short protein forms Q1609R, Q1621R, Q1680R, Q1668R, Q1681R, Q1657R, Q1701R, Q1724R.
Identifiers: ClinVar variation 947691 (VCV000947691.13), dbSNP rs923367492, ClinGen allele CA276759308.